The following is an entry in ClinVar:

ClinVar aggregate classification (germline): Uncertain significance. Review status: criteria provided, multiple submitters, no conflicts (2 of 4 stars). 2 submissions from 2 submitters: Uncertain significance (2). Last evaluated 2026-04-22.

Conditions:
Inborn genetic diseases. Identifiers: MedGen C0950123, MeSH D030342.

Submissions (2):

Ambry Genetics
Classification: Uncertain significance for Inborn genetic diseases. Last evaluated: 2026-04-22. Review status: criteria provided, single submitter. Criteria: Ambry Variant Classification Scheme 2023. Collection method: clinical testing. Allele origin: germline.
Comment: The c.604G>A (p.V202M) alteration is located in exon 1 (coding exon 1) of the SOX2 gene. This alteration results from a G to A substitution at nucleotide position 604, causing the valine (V) at amino acid position 202 to be replaced by a methionine (M). Based on data from gnomAD, the A allele has an overall frequency of <0.001% (0/246198) total alleles studied. The highest observed frequency was <0.001% (/) of alleles. Based on insufficient or conflicting evidence, the clinical significance of this alteration remains unclear.

GeneDx
Classification: Uncertain significance. Last evaluated: 2019-08-15. Review status: criteria provided, single submitter. Criteria: GeneDx Variant Classification Process June 2021. Collection method: clinical testing. Allele origin: germline. Affected: yes.
Comment: In silico analysis, which includes protein predictors and evolutionary conservation, supports that this variant does not alter protein structure/function; Has not been previously published as pathogenic or benign to our knowledge

NM_003106.4(SOX2):c.604G>A (p.Val202Met)

Genes: SOX2 (SRY-box transcription factor 2; plus strand), SOX2-OT (SOX2 overlapping transcript; plus strand). Cytogenetic location: 3q26.33.
Variant type: single nucleotide variant.
Coding change: c.604G>A on transcript NM_003106.4 (MANE Select); coding-DNA position 604, G replaced by A.
Protein change: p.Val202Met; replaces valine 202 with methionine.
Molecular consequence: missense variant.
Genome position (GRCh38, 1-based): chr3:181,712,964, G>A. VCF-style: chr3-181712964-G-A. GRCh37 (hg19) VCF-style: chr3-181430752-G-A.
Other names: short protein forms V202M.
Identifiers: ClinVar variation 1303396 (VCV001303396.3), dbSNP rs754986575, ClinGen allele CA355474248.
Genomic context (GRCh38, chr3:181,712,964, plus strand): 5'-CAGCACCCGGGCCTCAATGCGCACGGCGCAGCGCAGATGCAGCCCATGCACCGCTACGAC[G>A]TGAGCGCCCTGCAGTACAACTCCATGACCAGCTCGCAGACCTACATGAACGGCTCGCCCA-3'
Protein context (NP_003097.1, residues 192-212): AQMQPMHRYD[Val202Met]SALQYNSMTS